The following is an entry in ClinVar:

NM_001130987.2(DYSF):c.2864+1G>C

Gene: DYSF (dysferlin; plus strand). Cytogenetic location: 2p13.2.
Variant type: single nucleotide variant.
Coding change: c.2864+1G>C on transcript NM_001130987.2 (MANE Select); the canonical splice donor site of the intron after coding-DNA position 2864, G replaced by C.
Molecular consequence: splice donor variant.
Genome position (GRCh38, 1-based): chr2:71,568,339, G>C. VCF-style: chr2-71568339-G-C. GRCh37 (hg19) VCF-style: chr2-71795469-G-C.
Other names: c.2903+1G>C (NM_001130979.2); c.2861+1G>C (NM_001130981.2, NM_001130980.2); c.2810+1G>C (NM_001130978.2, NM_003494.4); c.2768+1G>C (NM_001130977.2, NM_001130976.2); c.2906+1G>C (NM_001130982.2); c.2864+1G>C (NM_001130985.2); c.2813+1G>C (NM_001130983.2, NM_001130455.2); c.2771+1G>C (NM_001130984.2, NM_001130986.2).
Identifiers: ClinVar variation 3241376 (VCV003241376.3), dbSNP rs199954546.

ClinVar aggregate classification (germline): Pathogenic. Review status: criteria provided, multiple submitters, no conflicts (2 of 4 stars). 3 submissions from 3 submitters: Pathogenic (3). Last evaluated 2025-09-10.

Conditions:
Neuromuscular disease caused by qualitative or quantitative defects of dysferlin. Also called: Dysferlinopathy; Qualitative or quantitative defects of dysferlin. Identifiers: Orphanet 207073, MedGen C2931687, MONDO:0016145.
Miyoshi muscular dystrophy 1 (MMD1). Identifiers: Orphanet 45448, MedGen C4551973, MONDO:0024545, OMIM 254130.
Autosomal recessive limb-girdle muscular dystrophy type 2B (LGMDR2). Also called: MUSCULAR DYSTROPHY, LIMB-GIRDLE, TYPE 3; Limb-girdle muscular dystrophy, type 2B; Limb-Girdle Muscular Dystrophy Type 2B (LGMD2B); MUSCULAR DYSTROPHY, LIMB-GIRDLE, AUTOSOMAL RECESSIVE 2. Identifiers: Orphanet 268, MedGen C1850889, MONDO:0009676, OMIM 253601.

gnomAD v4.1: 1 of 1,613,906 alleles (0.000062%); highest among the groups gnomAD compares: Non-Finnish European, 0.000085%; no homozygotes.

Submissions (3):

Labcorp Genetics (formerly Invitae), Labcorp
Classification: Pathogenic for Neuromuscular disease caused by qualitative or quantitative defects of dysferlin. Last evaluated: 2025-09-10. Review status: criteria provided, single submitter. Criteria: Invitae Variant Classification Sherloc (09022015). Collection method: clinical testing. Allele origin: germline.
Comment: This sequence change affects a donor splice site in intron 26 of the DYSF gene. It is expected to disrupt RNA splicing. Variants that disrupt the donor or acceptor splice site typically lead to a loss of protein function (PMID: 16199547), and loss-of-function variants in DYSF are known to be pathogenic (PMID: 17698709, 20301480). This variant is not present in population databases (gnomAD no frequency). Disruption of this splice site has been observed in individual(s) with dysferlinopathy (PMID: 17994539). ClinVar contains an entry for this variant (Variation ID: 3241376). Algorithms developed to predict the effect of sequence changes on RNA splicing suggest that this variant may disrupt the consensus splice site. For these reasons, this variant has been classified as Pathogenic.

Institute of Human Genetics Munich, TUM University Hospital
Classification: Pathogenic for Autosomal recessive limb-girdle muscular dystrophy type 2B. Last evaluated: 2025-06-12. Review status: criteria provided, single submitter. Criteria: Classification criteria August 2017. Collection method: clinical testing. Allele origin: germline. Inheritance: Autosomal recessive inheritance. Affected: yes. Observed: 1 variant allele.

Baylor Genetics
Classification: Pathogenic for Miyoshi muscular dystrophy 1. Last evaluated: 2024-02-27. Review status: criteria provided, single submitter. Criteria: ACMG Guidelines, 2015. Collection method: clinical testing. Allele origin: unknown.

Literature cited by the submitters: PubMed 16199547 (cited by Labcorp Genetics (formerly Invitae), Labcorp); PubMed 17698709 (cited by Labcorp Genetics (formerly Invitae), Labcorp); PubMed 20301480 (cited by Labcorp Genetics (formerly Invitae), Labcorp); PubMed 17994539 (cited by Labcorp Genetics (formerly Invitae), Labcorp).